The following is an entry in ClinVar:

NM_005379.4(MYO1A):c.2662G>A (p.Gly888Arg)

Gene: MYO1A (myosin IA; minus strand). Cytogenetic location: 12q13.3.
Variant type: single nucleotide variant.
Coding change: c.2662G>A on transcript NM_005379.4 (MANE Select); coding-DNA position 2662, G replaced by A.
Protein change: p.Gly888Arg; replaces glycine 888 with arginine.
Molecular consequence: missense variant.
Genome position (GRCh38, 1-based): chr12:57,029,802, C>T on the plus strand (G>A on the coding strand, the complement: MYO1A is on the minus strand). VCF-style: chr12-57029802-C-T. GRCh37 (hg19) VCF-style: chr12-57423586-C-T.
Other names: c.2662G>A, p.Gly888Arg (NM_001256041.2); short protein forms G888R.
Identifiers: ClinVar variation 452920 (VCV000452920.2), dbSNP rs1173369484, ClinGen allele CA385402106.

ClinVar aggregate classification (germline): Uncertain significance (1 of 4 stars; one submission).

Allele frequency attached by ClinVar (database versions not stated): gnomAD 0.00001; gnomAD exomes 0.00001; TOPMed 0.00001.
gnomAD v4.1: 20 of 1,614,112 alleles (0.0012%); highest among the groups gnomAD compares: East Asian, 0.0022%; no homozygotes.

Submission:

GeneDx
Classification: Uncertain significance. Last evaluated: 2017-11-08. Review status: criteria provided, single submitter. Criteria: GeneDx Variant Classification (06012015). Collection method: clinical testing. Allele origin: germline. Affected: yes.
Comment: The G888R variant has not been published as a pathogenic variant, nor has it been reported as a benign variant to our knowledge. The variant is observed in 1/30782 (0.0032%) alleles from individuals of South Asian background in large population cohorts (Lek et al., 2016). G888R is a non-conservative amino acid substitution, which is likely to impact secondary protein structure as these residues differ in polarity, charge, size and/or other properties. In silico analysis predicts this variant likely does not alter the protein structure/function. In summary, based on the currently available information, it is unclear whether this variant is a pathogenic variant or a rare benign variant.